The following is an entry in ClinVar:

ClinVar aggregate classification (germline): Uncertain significance. Review status: criteria provided, multiple submitters, no conflicts (2 of 4 stars). 4 submissions from 4 submitters: Uncertain significance (3). 1 of the submissions does not count toward it. Last evaluated 2025-07-01.

Conditions:
RTEL1-related disorder. Also called: RTEL1-related condition; RTEL1-related disorders.
Dyskeratosis congenita, autosomal recessive 5 (DKCB5). Identifiers: MedGen C3554656, MONDO:0014076, OMIM 615190.
Pulmonary fibrosis and/or bone marrow failure, Telomere-related, 3. Also called: PULMONARY FIBROSIS AND/OR BONE MARROW FAILURE SYNDROME, TELOMERE-RELATED, 3. Identifiers: Orphanet 2032, MedGen C4225346, MONDO:0014613, OMIM 616373.
Inborn genetic diseases. Identifiers: MedGen C0950123, MeSH D030342.
Dyskeratosis congenita. Identifiers: Orphanet 1775, MedGen C0265965, MONDO:0015780.

Allele frequency attached by ClinVar (database versions not stated): gnomAD exomes below 0.00001; ESP Exome Variant Server 0.00008.
gnomAD v4.1: 5 of 1,611,994 alleles (0.00031%); highest among the groups gnomAD compares: Non-Finnish European, 0.00042%; no homozygotes.

Submissions (4):

PreventionGenetics, part of Exact Sciences
Classification: Uncertain significance for RTEL1-related condition. Last evaluated: 2025-07-01. Review status: criteria provided, single submitter. Criteria: ACMG Guidelines, 2015. Collection method: clinical testing. Allele origin: germline.
Comment: The RTEL1 c.280G>A variant is predicted to result in the amino acid substitution p.Ala94Thr. To our knowledge, this variant has not been reported in the literature or in a large population database (gnomAD), indicating this variant is rare. At this time, the clinical significance of this variant is uncertain due to the absence of conclusive functional and genetic evidence.

Ambry Genetics
Classification: Uncertain significance for Inborn genetic diseases. Last evaluated: 2025-02-03. Review status: criteria provided, single submitter. Criteria: Ambry Variant Classification Scheme 2023. Collection method: clinical testing. Allele origin: germline.
Comment: The p.A94T variant (also known as c.280G>A), located in coding exon 2 of the RTEL1 gene, results from a G to A substitution at nucleotide position 280. The alanine at codon 94 is replaced by threonine, an amino acid with similar properties. This amino acid position is conserved. In addition, this alteration is predicted to be tolerated by in silico analysis. Based on the available evidence, the clinical significance of this variant remains unclear.

Labcorp Genetics (formerly Invitae), Labcorp
Classification: Uncertain significance for Dyskeratosis congenita, autosomal recessive 5; Pulmonary fibrosis and/or bone marrow failure, Telomere-related, 3. Last evaluated: 2024-09-06. Review status: criteria provided, single submitter. Criteria: Invitae Variant Classification Sherloc (09022015). Collection method: clinical testing. Allele origin: germline.
Comment: This sequence change replaces alanine, which is neutral and non-polar, with threonine, which is neutral and polar, at codon 94 of the RTEL1 protein (p.Ala94Thr). This variant is not present in population databases (gnomAD no frequency). This variant has not been reported in the literature in individuals affected with RTEL1-related conditions. ClinVar contains an entry for this variant (Variation ID: 473913). An algorithm developed to predict the effect of missense changes on protein structure and function (PolyPhen-2) suggests that this variant is likely to be tolerated. In summary, the available evidence is currently insufficient to determine the role of this variant in disease. Therefore, it has been classified as a Variant of Uncertain Significance.

Natera, Inc.
Classification: Uncertain significance for Dyskeratosis congenita. Last evaluated: 2021-03-29. Review status: no assertion criteria provided. Collection method: clinical testing. Allele origin: germline. Not counted in ClinVar's aggregate classification.

NM_001283009.2(RTEL1):c.280G>A (p.Ala94Thr)

Genes: RTEL1 (regulator of telomere elongation helicase 1; plus strand), RTEL1-TNFRSF6B (RTEL1-TNFRSF6B readthrough (NMD candidate); plus strand). Cytogenetic location: 20q13.33.
Variant type: single nucleotide variant.
Coding change: c.280G>A on transcript NM_001283009.2 (MANE Select); coding-DNA position 280, G replaced by A.
Protein change: p.Ala94Thr; replaces alanine 94 with threonine.
Molecular consequence: missense variant. On other transcripts: non-coding transcript variant (1), 5 prime UTR variant (1).
Genome position (GRCh38, 1-based): chr20:63,661,475, G>A. VCF-style: chr20-63661475-G-A. GRCh37 (hg19) VCF-style: chr20-62292828-G-A.
Other names: c.-390G>A (NM_001283010.1); c.280G>A, p.Ala94Thr (NM_016434.4, NM_032957.5); short protein forms A94T.
Identifiers: ClinVar variation 473913 (VCV000473913.10), dbSNP rs371690600, ClinGen allele CA317497740.